The following is an entry in ClinVar:

NM_006739.4(MCM5):c.1477G>A (p.Gly493Ser)

Gene: MCM5 (minichromosome maintenance complex component 5; plus strand). Cytogenetic location: 22q12.3.
Variant type: single nucleotide variant.
Coding change: c.1477G>A on transcript NM_006739.4 (MANE Select); coding-DNA position 1477, G replaced by A.
Protein change: p.Gly493Ser; replaces glycine 493 with serine.
Molecular consequence: missense variant.
Genome position (GRCh38, 1-based): chr22:35,416,701, G>A. VCF-style: chr22-35416701-G-A. GRCh37 (hg19) VCF-style: chr22-35812694-G-A.
Other names: c.1477G>A (NM_006739.3); short protein forms G493S.
Identifiers: ClinVar variation 2873142 (VCV002873142.4), dbSNP rs2517900631, ClinGen allele CA411347780.

ClinVar aggregate classification (germline): Uncertain significance. Review status: criteria provided, multiple submitters, no conflicts (2 of 4 stars). 2 submissions from 2 submitters: Uncertain significance (2). Last evaluated 2025-08-25.

Allele frequency attached by ClinVar (database versions not stated): gnomAD exomes below 0.00001.
gnomAD v4.1: 5 of 1,614,110 alleles (0.00031%); highest among the groups gnomAD compares: South Asian, 0.0011%; no homozygotes.

Submissions (2):

Ambry Genetics
Classification: Uncertain significance. Last evaluated: 2025-08-25. Review status: criteria provided, single submitter. Criteria: Ambry Variant Classification Scheme 2023. Collection method: clinical testing. Allele origin: germline.

Labcorp Genetics (formerly Invitae), Labcorp
Classification: Uncertain significance. Last evaluated: 2023-08-07. Review status: criteria provided, single submitter. Criteria: Invitae Variant Classification Sherloc (09022015). Collection method: clinical testing. Allele origin: germline.
Comment: This sequence change replaces glycine, which is neutral and non-polar, with serine, which is neutral and polar, at codon 493 of the MCM5 protein (p.Gly493Ser). This variant is not present in population databases (gnomAD no frequency). This variant has not been reported in the literature in individuals affected with MCM5-related conditions. Advanced modeling of protein sequence and biophysical properties (such as structural, functional, and spatial information, amino acid conservation, physicochemical variation, residue mobility, and thermodynamic stability) performed at Invitae indicates that this missense variant is not expected to disrupt MCM5 protein function. In summary, the available evidence is currently insufficient to determine the role of this variant in disease. Therefore, it has been classified as a Variant of Uncertain Significance.